The following is an entry in ClinVar:

NM_001134831.2(AHI1):c.135+239C>T

Gene: AHI1 (Abelson helper integration site 1; minus strand). Cytogenetic location: 6q23.3.
Variant type: single nucleotide variant.
Coding change: c.135+239C>T on transcript NM_001134831.2 (MANE Select); 239 bases into the intron after coding-DNA position 135, C replaced by T.
Molecular consequence: intron variant.
Genome position (GRCh38, 1-based): chr6:135,490,384, G>A on the plus strand (C>T on the coding strand, the complement: AHI1 is on the minus strand). VCF-style: chr6-135490384-G-A. GRCh37 (hg19) VCF-style: chr6-135811522-G-A.
Other names: c.135+239C>T (NM_001134830.2, NM_001350503.2, NM_017651.5 and 2 more transcripts).
Identifiers: ClinVar variation 678290 (VCV000678290.1), dbSNP rs111939059, ClinGen allele CA148124032.

ClinVar aggregate classification (germline): Benign (1 of 4 stars; one submission).

Allele frequency attached by ClinVar (database versions not stated): gnomAD exomes 0.00202; gnomAD 0.01639 and 0.01784; 1000 Genomes Project 0.01697; 1000 Genomes Project 30x 0.01796; TOPMed 0.01942.
gnomAD v4.1: 3,550 of 649,146 alleles (0.55%); highest among the groups gnomAD compares: African/African-American, 5.6%; 83 homozygotes.

Submission:

GeneDx
Classification: Benign. Last evaluated: 2018-06-16. Review status: criteria provided, single submitter. Criteria: GeneDx Variant Classification (06012015). Collection method: clinical testing. Allele origin: germline. Affected: yes.
Comment: This variant is considered likely benign or benign based on one or more of the following criteria: it is a conservative change, it occurs at a poorly conserved position in the protein, it is predicted to be benign by multiple in silico algorithms, and/or has population frequency not consistent with disease.